The following is an entry in ClinVar:

NM_012301.4(MAGI2):c.966-42T>G

Gene: MAGI2 (membrane associated guanylate kinase, WW and PDZ domain containing 2; minus strand). Cytogenetic location: 7q21.11.
Variant type: single nucleotide variant.
Coding change: c.966-42T>G on transcript NM_012301.4 (MANE Select); 42 bases into the intron before coding-DNA position 966, T replaced by G.
Molecular consequence: intron variant.
Genome position (GRCh38, 1-based): chr7:78,489,882, A>C on the plus strand (T>G on the coding strand, the complement: MAGI2 is on the minus strand). VCF-style: chr7-78489882-A-C. GRCh37 (hg19) VCF-style: chr7-78119199-A-C.
Other names: c.966-42T>G (NM_001301128.2).
Identifiers: ClinVar variation 1237001 (VCV001237001.6), dbSNP rs1990577, ClinGen allele CA4314139.

ClinVar aggregate classification (germline): Benign. Review status: criteria provided, multiple submitters, no conflicts (2 of 4 stars). 3 submissions from 3 submitters: Benign (3). Last evaluated 2024-07-15.

Allele frequency attached by ClinVar (database versions not stated): 1000 Genomes Project 0.61721; TOPMed 0.56106; 1000 Genomes Project 30x 0.61774; ESP Exome Variant Server 0.53222.
gnomAD v4.1: 794,969 of 1,432,782 alleles (55%); highest among the groups gnomAD compares: East Asian, 76%; 223,275 homozygotes.

Submissions (3):

Unidad de Genómica Garrahan, Hospital de Pediatría Garrahan
Classification: Benign. Last evaluated: 2024-07-15. Review status: criteria provided, single submitter. Criteria: ACMG Guidelines, 2015. Collection method: clinical testing. Allele origin: germline. Affected: no. Observed: 79 variant alleles.
Comment: This variant is classified as Benign based on local population frequency. This variant was detected in 85% of patients studied in a panel designed for Epileptic and Developmental Encephalopathy and Progressive Myoclonus Epilepsy. Number of patients: 79. Only high quality variants are reported.

GeneDx
Classification: Benign. Last evaluated: 2019-08-20. Review status: criteria provided, single submitter. Criteria: GeneDx Variant Classification Process June 2021. Collection method: clinical testing. Allele origin: germline. Affected: yes.

Breakthrough Genomics
Classification: Benign. Review status: criteria provided, single submitter. Criteria: ACMG Guidelines, 2015. Collection method: not provided. Allele origin: germline. Inheritance: Autosomal recessive inheritance. Affected: yes.